The following is an entry in ClinVar:

ClinVar aggregate classification (germline): Likely benign (1 of 4 stars; one submission).

Allele frequency attached by ClinVar (database versions not stated): gnomAD exomes 0.00001; ExAC 0.00002; ESP Exome Variant Server 0.00008; gnomAD 0.00009; 1000 Genomes Project 30x 0.00016; 1000 Genomes Project 0.00020.
gnomAD v4.1: 25 of 1,614,030 alleles (0.0015%); highest among the groups gnomAD compares: African/African-American, 0.031%; no homozygotes.

Submission:

CeGaT Center for Human Genetics Tuebingen
Classification: Likely benign. Last evaluated: 2022-09-01. Review status: criteria provided, single submitter. Criteria: CeGaT Center For Human Genetics Tuebingen Variant Classification Criteria Version 2. Collection method: clinical testing. Allele origin: germline. Affected: yes. Observed: 1 variant allele.
Comment: CBX2: BP4

NM_005189.3(CBX2):c.288+43C>T

Gene: CBX2 (chromobox 2; plus strand). Cytogenetic location: 17q25.3.
Variant type: single nucleotide variant.
Coding change: c.288+43C>T on transcript NM_005189.3 (MANE Select); 43 bases into the intron after coding-DNA position 288, C replaced by T.
Molecular consequence: intron variant. On other transcripts: missense variant (1).
Genome position (GRCh38, 1-based): chr17:79,781,844, C>T. VCF-style: chr17-79781844-C-T. GRCh37 (hg19) VCF-style: chr17-77755643-C-T.
Other names: c.331C>T, p.Pro111Ser (NM_032647.4); short protein forms P111S.
Identifiers: ClinVar variation 2648387 (VCV002648387.24), dbSNP rs149457179, ClinGen allele CA8811085.